The following is an entry in ClinVar:

NM_000593.6(TAP1):c.1937G>T (p.Gly646Val)

Gene: TAP1 (transporter 1, ATP binding cassette subfamily B member; minus strand). Cytogenetic location: 6p21.32.
Variant type: single nucleotide variant.
Coding change: c.1937G>T on transcript NM_000593.6 (MANE Select); coding-DNA position 1937, G replaced by T.
Protein change: p.Gly646Val; replaces glycine 646 with valine.
Molecular consequence: missense variant.
Genome position (GRCh38, 1-based): chr6:32,847,171, C>A on the plus strand (G>T on the coding strand, the complement: TAP1 is on the minus strand). VCF-style: chr6-32847171-C-A. GRCh37 (hg19) VCF-style: chr6-32814948-C-A.
Other names: c.1334G>T, p.Gly445Val (NM_001292022.2); short protein forms G445V, G646V.
Identifiers: ClinVar variation 1060319 (VCV001060319.7), dbSNP rs765527607, ClinGen allele CA363590886.

ClinVar aggregate classification (germline): Uncertain significance (1 of 4 stars; one submission).

Conditions:
MHC class I deficiency. Identifiers: Orphanet 34592, MedGen C6024714, MONDO:0011476.

gnomAD v4.1: 1 of 1,612,590 alleles (0.000062%); highest among the groups gnomAD compares: Non-Finnish European, 0.000085%; no homozygotes.

Submission:

Labcorp Genetics (formerly Invitae), Labcorp
Classification: Uncertain significance for MHC class I deficiency 1. Last evaluated: 2022-05-12. Review status: criteria provided, single submitter. Criteria: Invitae Variant Classification Sherloc (09022015). Collection method: clinical testing. Allele origin: germline.
Comment: This sequence change replaces glycine, which is neutral and non-polar, with valine, which is neutral and non-polar, at codon 706 of the TAP1 protein (p.Gly706Val). This variant is not present in population databases (gnomAD no frequency). This variant has not been reported in the literature in individuals affected with TAP1-related conditions. ClinVar contains an entry for this variant (Variation ID: 1060319). Algorithms developed to predict the effect of missense changes on protein structure and function are either unavailable or do not agree on the potential impact of this missense change (SIFT: "Deleterious"; PolyPhen-2: "Probably Damaging"; Align-GVGD: "Class C0"). In summary, the available evidence is currently insufficient to determine the role of this variant in disease. Therefore, it has been classified as a Variant of Uncertain Significance.